The following is an entry in ClinVar:

NM_001130438.3(SPTAN1):c.6852CAA[1] (p.Asn2285del)

Gene: SPTAN1 (spectrin alpha, non-erythrocytic 1; plus strand). Cytogenetic location: 9q34.11.
Variant type: Microsatellite.
Coding change: c.6852CAA[1] on transcript NM_001130438.3 (MANE Select); one copy of the 3-base unit CAA starting at c.6852; the reference has two copies in a row; one copy, 3 bases deleted; also written c.6855_6857del.
Protein change: p.Asn2285del; deletes asparagine 2285.
Molecular consequence: inframe deletion.
Genome position (GRCh38, 1-based): chr9:128,632,219-128,632,221, CAA deleted; deleting any 3 consecutive bases within chr9:128,632,215-128,632,221 gives the same sequence; the position shown is the placement nearest the transcript's 3' end. VCF-style (leftmost placement, unchanged base first): chr9-128632214-GACA-G. GRCh37 (hg19) VCF-style: chr9-131394493-GACA-G.
Other names: c.6777CAA[1], p.Asn2260del (NM_001195532.2); c.6915CAA[1], p.Asn2306del (NM_001363759.2); c.6792CAA[1], p.Asn2265del (NM_001363765.2, NM_001375314.2); c.6939CAA[1], p.Asn2314del (NM_001375310.1); c.6852CAA[1], p.Asn2285del (NM_001375311.2); c.6888CAA[1], p.Asn2297del (NM_001375312.2); c.6834CAA[1], p.Asn2279del (NM_001375313.1); c.6951CAA[1], p.Asn2318del (NM_001375318.1); and 2 more; short protein forms N2260del, N2265del, N2279del, N2280del, N2285del, N2297del, N2306del, N2314del.
Identifiers: ClinVar variation 1254403 (VCV001254403.9), dbSNP rs2132088873, ClinGen allele CA2579470529.

ClinVar aggregate classification (germline): Uncertain significance. Review status: criteria provided, multiple submitters, no conflicts (2 of 4 stars). 3 submissions from 3 submitters: Uncertain significance (2). 1 of the submissions does not count toward it. Last evaluated 2025-03-20.

Conditions:
Early-infantile DEE. Also called: Early infantile epileptic encephalopathy with suppression bursts; Ohtahara syndrome; Early infantile epileptic encephalopathy. Identifiers: Orphanet 1934, MedGen C0393706, MONDO:0800491.
Developmental delay with or without epilepsy (DEVEP). Identifiers: MedGen C5882702, MONDO:0957815, OMIM 620540.

Submissions (3):

Labcorp Genetics (formerly Invitae), Labcorp
Classification: Uncertain significance for Early-infantile DEE. Last evaluated: 2025-03-20. Review status: criteria provided, single submitter. Criteria: Invitae Variant Classification Sherloc (09022015). Collection method: clinical testing. Allele origin: germline.
Comment: This variant, c.6855_6857del, results in the deletion of 1 amino acid(s) of the SPTAN1 protein (p.Asn2285del), but otherwise preserves the integrity of the reading frame. This variant is not present in population databases (gnomAD no frequency). This variant has not been reported in the literature in individuals affected with SPTAN1-related conditions. ClinVar contains an entry for this variant (Variation ID: 1254403). Experimental studies and prediction algorithms are not available or were not evaluated, and the functional significance of this variant is currently unknown. In summary, the available evidence is currently insufficient to determine the role of this variant in disease. Therefore, it has been classified as a Variant of Uncertain Significance.

GeneDx
Classification: Uncertain significance. Last evaluated: 2023-07-27. Review status: criteria provided, single submitter. Criteria: GeneDx Variant Classification Process June 2021. Collection method: clinical testing. Allele origin: germline. Affected: yes.
Comment: Not observed at significant frequency in large population cohorts (gnomAD); In-frame deletion of 1 amino acids in a non-repeat region; In silico analysis supports a deleterious effect on protein structure/function; Has not been previously published as pathogenic or benign to our knowledge; This variant is associated with the following publications: (PMID: 20493457)

Molecular Genetics Laboratory, BC Children's and BC Women's Hospitals
Classification: Uncertain significance for Developmental delay with or without epilepsy. Last evaluated: 2026-03-04. Review status: no assertion criteria provided. Criteria: ACMG Guidelines, 2015. Collection method: clinical testing. Allele origin: maternal. Affected: yes. Not counted in ClinVar's aggregate classification.